The following is an entry in ClinVar:

NM_000057.4(BLM):c.1597C>A (p.Gln533Lys)

Gene: BLM (BLM RecQ like helicase; plus strand). Cytogenetic location: 15q26.1.
Variant type: single nucleotide variant.
Coding change: c.1597C>A on transcript NM_000057.4 (MANE Select); coding-DNA position 1597, C replaced by A.
Protein change: p.Gln533Lys; replaces glutamine 533 with lysine.
Molecular consequence: missense variant.
Genome position (GRCh38, 1-based): chr15:90,760,970, C>A. VCF-style: chr15-90760970-C-A. GRCh37 (hg19) VCF-style: chr15-91304200-C-A.
Other names: c.1597C>A, p.Gln533Lys (NM_001287246.2, NM_001287247.2); c.472C>A, p.Gln158Lys (NM_001287248.2); short protein forms Q158K, Q533K.
Identifiers: ClinVar variation 4742520 (VCV004742520.1).

ClinVar aggregate classification (germline): Uncertain significance (1 of 4 stars; one submission).

Conditions:
Bloom syndrome (BLM). Also called: Bloom-Torre-Machacek syndrome. Identifiers: Orphanet 125, MedGen C0005859, MONDO:0008876, OMIM 210900.

Submission:

Labcorp Genetics (formerly Invitae), Labcorp
Classification: Uncertain significance for Bloom syndrome. Last evaluated: 2025-08-06. Review status: criteria provided, single submitter. Criteria: Invitae Variant Classification Sherloc (09022015). Collection method: clinical testing. Allele origin: germline.
Comment: This sequence change replaces glutamine, which is neutral and polar, with lysine, which is basic and polar, at codon 533 of the BLM protein (p.Gln533Lys). This variant is not present in population databases (gnomAD no frequency). This variant has not been reported in the literature in individuals affected with BLM-related conditions. Invitae Evidence Modeling of protein sequence and biophysical properties (such as structural, functional, and spatial information, amino acid conservation, physicochemical variation, residue mobility, and thermodynamic stability) indicates that this missense variant is not expected to disrupt BLM protein function with a negative predictive value of 80%. In summary, the available evidence is currently insufficient to determine the role of this variant in disease. Therefore, it has been classified as a Variant of Uncertain Significance.